The following is an entry in ClinVar:

ClinVar aggregate classification (germline): Conflicting classifications of pathogenicity. Review status: criteria provided, conflicting classifications (1 of 4 stars). 3 submissions from 3 submitters: Uncertain significance (2); Likely benign (1). Last evaluated 2026-02-03.

Conditions:
Hereditary cancer-predisposing syndrome. Also called: Hereditary neoplastic syndrome; Tumor predisposition; Neoplastic Syndromes, Hereditary; Hereditary Cancer Syndrome. Identifiers: Orphanet 140162, MedGen C0027672, MeSH D009386, MONDO:0015356.
Familial cancer of breast. Also called: BREAST CANCER, FAMILIAL; Hereditary breast cancer; hereditary breast carcinoma. Identifiers: Orphanet 227535, MedGen C0346153, MONDO:0016419, OMIM 114480. Disease mechanism: loss of function.

Submissions (3):

Ambry Genetics
Classification: Likely benign for Hereditary cancer-predisposing syndrome. Last evaluated: 2026-02-03. Review status: criteria provided, single submitter. Criteria: Ambry Variant Classification Scheme 2023. Collection method: clinical testing. Allele origin: germline.

Labcorp Genetics (formerly Invitae), Labcorp
Classification: Uncertain significance for Familial cancer of breast. Last evaluated: 2025-09-22. Review status: criteria provided, single submitter. Criteria: Invitae Variant Classification Sherloc (09022015). Collection method: clinical testing. Allele origin: germline.
Comment: This sequence change replaces isoleucine, which is neutral and non-polar, with valine, which is neutral and non-polar, at codon 1137 of the PALB2 protein (p.Ile1137Val). This variant is not present in population databases (gnomAD no frequency). This variant has not been reported in the literature in individuals affected with PALB2-related conditions. ClinVar contains an entry for this variant (Variation ID: 3363690). An algorithm developed to predict the effect of missense changes on protein structure and function outputs the following: PolyPhen-2: "Benign". The valine amino acid residue is found in multiple mammalian species, which suggests that this missense change does not adversely affect protein function. In summary, the available evidence is currently insufficient to determine the role of this variant in disease. Therefore, it has been classified as a Variant of Uncertain Significance.

GeneDx
Classification: Uncertain significance. Last evaluated: 2023-10-30. Review status: criteria provided, single submitter. Criteria: GeneDx Variant Classification Process June 2021. Collection method: clinical testing. Allele origin: germline. Affected: yes.
Comment: Not observed at significant frequency in large population cohorts (gnomAD); In silico analysis supports that this missense variant does not alter protein structure/function; Has not been previously published as pathogenic or benign to our knowledge

NM_024675.4(PALB2):c.3409A>G (p.Ile1137Val)

Gene: PALB2 (partner and localizer of BRCA2; minus strand). Cytogenetic location: 16p12.2.
Variant type: single nucleotide variant.
Coding change: c.3409A>G on transcript NM_024675.4 (MANE Select); coding-DNA position 3409, A replaced by G.
Protein change: p.Ile1137Val; replaces isoleucine 1137 with valine.
Molecular consequence: missense variant. On other transcripts: 3 prime UTR variant (5).
Genome position (GRCh38, 1-based): chr16:23,603,611, T>C on the plus strand (A>G on the coding strand, the complement: PALB2 is on the minus strand). VCF-style: chr16-23603611-T-C. GRCh37 (hg19) VCF-style: chr16-23614932-T-C.
Other names: c.3349A>G, p.Ile1117Val (NM_001407296.1); c.3337A>G, p.Ile1113Val (NM_001407297.1); c.3247A>G, p.Ile1083Val (NM_001407298.1); c.3172A>G, p.Ile1058Val (NM_001407299.1); c.3130A>G, p.Ile1044Val (NM_001407300.1); c.*44A>G (NM_001407301.1, NM_001407302.1, NM_001407310.1 and 2 more transcripts); c.2524A>G, p.Ile842Val (NM_001407304.1, NM_001407305.1, NM_001407306.1); c.2362A>G, p.Ile788Val (NM_001407307.1); and 3 more; short protein forms I1044V, I1058V, I1083V, I1113V, I1117V, I1137V, I315V, I541V.
Identifiers: ClinVar variation 3363690 (VCV003363690.3).
Genomic context (GRCh38, chr16:23,603,611, plus strand): 5'-GGTCAGAGACAGGTGGGAGGAGGGCAGTACACTGACCGAGAAGTAAGTCCCAAATGGCAA[T>C]TGTTCCAGAAGTCAAGATTGCTGCTGCACAGTGATCTTTCACGTCACCTTCCAGGAACCT-3'
Protein context (NP_078951.2, residues 1127-1147): CAAAILTSGT[Ile1137Val]AIWDLLLGQC